The following is an entry in ClinVar:

ClinVar aggregate classification (germline): Uncertain significance (1 of 4 stars; one submission).

Submission:

Labcorp Genetics (formerly Invitae), Labcorp
Classification: Uncertain significance. Last evaluated: 2022-05-19. Review status: criteria provided, single submitter. Criteria: Invitae Variant Classification Sherloc (09022015). Collection method: clinical testing. Allele origin: germline.
Comment: This sequence change falls in intron 2 of the GNA11 gene. It does not directly change the encoded amino acid sequence of the GNA11 protein. Information on the frequency of this variant in the gnomAD database is not available, as this variant may be reported differently in the database. This variant has not been reported in the literature in individuals affected with GNA11-related conditions. Experimental studies and prediction algorithms are not available or were not evaluated, and the effect of this variant on mRNA splicing is currently unknown. In summary, the available evidence is currently insufficient to determine the role of this variant in disease. Therefore, it has been classified as a Variant of Uncertain Significance.

NM_002067.5(GNA11):c.321+17_321+18delinsTG

Gene: GNA11 (G protein subunit alpha 11; plus strand). Cytogenetic location: 19p13.3.
Variant type: Indel.
Coding change: c.321+17_321+18delinsTG on transcript NM_002067.5 (MANE Select); bases 17 to 18 of the intron after coding-DNA position 321, CT replaced by TG.
Molecular consequence: intron variant.
Genome position (GRCh38, 1-based): chr19:3,110,350-3,110,351, CT replaced by TG. VCF-style: chr19-3110350-CT-TG. GRCh37 (hg19) VCF-style: chr19-3110348-CT-TG.
Identifiers: ClinVar variation 1937969 (VCV001937969.5), dbSNP rs2512089391, ClinGen allele CA2580096148.
Genomic context (GRCh38, chr19:3,110,350, plus strand): 5'-CCATGGAGACGCTCAAGATCCTCTACAAGTACGAGCAGAACAAGGTGAGCCCGCGGGCGC[CT>TG]GGGGAGGGGAGCGCCTGGGCAGCTGTGGGCTTGGTGGTGAGCATGGTGGCCGCGCTGCCA-3'